The following is an entry in ClinVar:

ClinVar aggregate classification (germline): Conflicting classifications of pathogenicity. Review status: criteria provided, conflicting classifications (1 of 4 stars). 3 submissions from 3 submitters: Uncertain significance (2); Likely benign (1). Last evaluated 2026-08-21.

Conditions:
JAG1-related disorder. Also called: JAG1-related condition; JAG1-related disorders.
Cardiovascular phenotype. Identifiers: MedGen CN230736.
Alagille syndrome due to a JAG1 point mutation. Also called: JAG1-Related Alagille Syndrome; HEPATIC DUCTULAR HYPOPLASIA, SYNDROMATIC; Alagille Syndrome 1. Identifiers: Orphanet 261619, Orphanet 52, MedGen C1956125, MONDO:0016862, OMIM 118450.

gnomAD v4.1: 48 of 1,613,588 alleles (0.003%); highest among the groups gnomAD compares: Non-Finnish European, 0.004%; no homozygotes.

Submissions (3):

PreventionGenetics, part of Exact Sciences
Classification: Uncertain significance for JAG1-related condition. Last evaluated: 2026-08-21. Review status: criteria provided, single submitter. Criteria: ACMG Guidelines, 2015. Collection method: clinical testing. Allele origin: germline.
Comment: The JAG1 c.2665C>G variant is predicted to result in the amino acid substitution p.Arg889Gly. To our knowledge, this variant has not been reported in the literature. This variant is reported in 0.0023% of alleles in individuals of European (non-Finnish) descent in gnomAD. At this time, the clinical significance of this variant is uncertain due to the absence of conclusive functional and genetic evidence.

Ambry Genetics
Classification: Uncertain significance for Cardiovascular phenotype. Last evaluated: 2024-11-18. Review status: criteria provided, single submitter. Criteria: Ambry Variant Classification Scheme 2023. Collection method: clinical testing. Allele origin: germline.
Comment: The p.R889G variant (also known as c.2665C>G), located in coding exon 22 of the JAG1 gene, results from a C to G substitution at nucleotide position 2665. The arginine at codon 889 is replaced by glycine, an amino acid with dissimilar properties. This amino acid position is conserved. In addition, this alteration is predicted to be tolerated by in silico analysis. Since supporting evidence is limited at this time, the clinical significance of this alteration remains unclear.

Labcorp Genetics (formerly Invitae), Labcorp
Classification: Likely benign for Alagille syndrome due to a JAG1 point mutation. Last evaluated: 2023-01-17. Review status: criteria provided, single submitter. Criteria: Invitae Variant Classification Sherloc (09022015). Collection method: clinical testing. Allele origin: germline.

NM_000214.3(JAG1):c.2665C>G (p.Arg889Gly)

Gene: JAG1 (jagged canonical Notch ligand 1; minus strand). Cytogenetic location: 20p12.2.
Variant type: single nucleotide variant.
Coding change: c.2665C>G on transcript NM_000214.3 (MANE Select); coding-DNA position 2665, C replaced by G.
Protein change: p.Arg889Gly; replaces arginine 889 with glycine.
Molecular consequence: missense variant.
Genome position (GRCh38, 1-based): chr20:10,641,800, G>C on the plus strand (C>G on the coding strand, the complement: JAG1 is on the minus strand). VCF-style: chr20-10641800-G-C. GRCh37 (hg19) VCF-style: chr20-10622448-G-C.
Other names: short protein forms R889G.
Identifiers: ClinVar variation 1794489 (VCV001794489.9), dbSNP rs765431150, ClinGen allele CA9764424.
Genomic context (GRCh38, chr20:10,641,800, plus strand): 5'-GATTCCAGAACACAGGTGAACTGCGGCAGCCATCATGTCCTACCTTTGAGCAGGCGATCC[G>C]TCCATTCAGGCACTGGCAGGTATTACAGTCATCATCCCATTTGGCCCCATCTGGTATCAC-3'
Protein context (NP_000205.1, residues 879-899): DCNTCQCLNG[Arg889Gly]IACSKVWCGP